The following is an entry in ClinVar:

ClinVar aggregate classification (germline): Pathogenic (1 of 4 stars; one submission).
ClinVar aggregate classification (somatic clinical impact): Tier II - Potential (1 of 4 stars; one submission).

Conditions:
Nephroblastoma. Also called: Wilms' tumor; Wilms tumor. Identifiers: Orphanet 654, MedGen C0027708, MeSH D009396, MONDO:0006058, HP:0002667.

Submissions (2):

GeneDx
Classification: Pathogenic. Last evaluated: 2023-12-15. Review status: criteria provided, single submitter. Criteria: GeneDx Variant Classification Process June 2021. Collection method: clinical testing. Allele origin: germline. Affected: yes.
Comment: Has not been previously published as pathogenic or benign to our knowledge; Frameshift variant predicted to result in protein truncation or nonsense mediated decay in a gene for which loss of function is a known mechanism of disease; Not observed at significant frequency in large population cohorts (gnomAD)

Institute for Genomic Medicine (IGM) Clinical Laboratory, Nationwide Children's Hospital
Classification: Tier II - Potential for Kidney Wilms tumor. Assertion type: diagnostic. Clinical significance: supports diagnosis. Last evaluated: 2023-10-20. Review status: criteria provided, single submitter. Criteria: AMP/ASCO/CAP Guidelines, 2017. Collection method: clinical testing. Allele origin: somatic. Affected: yes.
Comment: Variant has Tier II (potential) clinical significance as a diagnostic inclusion criterion in Wilms tumor, based on the following evidence: 1) Assists in diagnosis alone or along with other biomarkers based on small studies or few case reports (Evidence Level D).

NM_005676.5(RBM10):c.2214_2217del (p.Ser738fs)

Gene: RBM10 (RNA binding motif protein 10; plus strand). Cytogenetic location: Xp11.3.
Variant type: Deletion.
Coding change: c.2214_2217del on transcript NM_005676.5 (MANE Select); coding-DNA positions 2214 to 2217, 4 bases deleted (TGAG; older notation c.2214_2217delTGAG).
Protein change: p.Ser738fs; shifts the reading frame from serine 738.
Molecular consequence: frameshift variant.
Genome position (GRCh38, 1-based): chrX:47,185,489-47,185,492, TGAG deleted; deleting any 4 consecutive bases within chrX:47,185,487-47,185,492 gives the same sequence; the c. name uses the placement nearest the transcript's 3' end. VCF-style (leftmost placement, unchanged base first): chrX-47185486-CAGTG-C. GRCh37 (hg19) VCF-style: chrX-47044885-CAGTG-C.
Other names: c.2214_2217del (NM_005676.4); c.2214_2217delTGAG (NM_005676.4); c.1983_1986del, p.Ser661fs (NM_001204466.2); c.2211_2214del, p.Ser737fs (NM_001204467.2); c.2409_2412del, p.Ser803fs (NM_001204468.2); c.1980_1983del, p.Ser660fs (NM_152856.3); short protein forms S738fs, S660fs, S661fs, S803fs, S737fs.
Identifiers: ClinVar variation 429505 (VCV000429505.4), dbSNP rs1131691421, ClinGen allele CA645369806.
Genomic context (GRCh38, chrX:47,185,486, plus strand): 5'-CCCTCACCCTCTACAGAGCCCTCCGCGAGGACTGGTGGCAGCCTACAGCGGGGAGAGTGA[CAGTG>C]AGGAGGAGCAGGAGCGTGGGGGCCCTGAGCGGGAGGAGAAGCTCACCGACTGGCAGAAGC-3'